The following is an entry in ClinVar:

ClinVar aggregate classification (germline): Benign/Likely benign. Review status: criteria provided, multiple submitters, no conflicts (2 of 4 stars). 5 submissions from 5 submitters: Benign (1); Likely benign (4). Last evaluated 2026-08-01.

Conditions:
Alveolar capillary dysplasia with pulmonary venous misalignment. Also called: Congenital alveolar capillary dysplasia; Alveolar capillary dysplasia with misalignment of pulmonary veins; ALVEOLAR CAPILLARY DYSPLASIA WITH MISALIGNMENT OF PULMONARY VEINS AND OTHER CONGENITAL ANOMALIES. Identifiers: Orphanet 210122, MedGen C2960310, MONDO:0009934, OMIM 265380.

Allele frequency attached by ClinVar (database versions not stated): ESP Exome Variant Server 0.00032; TOPMed 0.00055; 1000 Genomes Project 0.00120; 1000 Genomes Project 30x 0.00125.
gnomAD v4.1: 194 of 1,584,346 alleles (0.012%); highest among the groups gnomAD compares: African/African-American, 0.24%; no homozygotes.

Submissions (5):

CeGaT Center for Human Genetics Tuebingen
Classification: Likely benign. Last evaluated: 2026-08-01. Review status: criteria provided, single submitter. Criteria: CeGaT Center For Human Genetics Tuebingen Variant Classification Criteria Version 2. Collection method: clinical testing. Allele origin: germline. Affected: yes. Observed: 1 variant allele.
Comment: FOXF1: BP4, BP7

Labcorp Genetics (formerly Invitae), Labcorp
Classification: Benign. Last evaluated: 2025-03-05. Review status: criteria provided, single submitter. Criteria: Invitae Variant Classification Sherloc (09022015). Collection method: clinical testing. Allele origin: germline.

Blueprint Genetics
Classification: Likely benign. Last evaluated: 2024-09-13. Review status: criteria provided, single submitter. Criteria: ACMG Guidelines, 2015. Collection method: clinical testing. Allele origin: germline.

Johns Hopkins Genomics, Johns Hopkins University
Classification: Likely benign for Alveolar capillary dysplasia with pulmonary venous misalignment. Last evaluated: 2020-08-15. Review status: criteria provided, single submitter. Criteria: ACMG Guidelines, 2015. Collection method: clinical testing. Allele origin: germline.

Breakthrough Genomics
Classification: Likely benign. Review status: criteria provided, single submitter. Criteria: ACMG Guidelines, 2015. Collection method: not provided. Allele origin: germline. Inheritance: Autosomal dominant inheritance. Affected: yes.

NM_001451.3(FOXF1):c.927G>T (p.Leu309=)

Gene: FOXF1 (forkhead box F1; plus strand). Cytogenetic location: 16q24.1.
Variant type: single nucleotide variant.
Coding change: c.927G>T on transcript NM_001451.3 (MANE Select); coding-DNA position 927, G replaced by T.
Protein change: p.Leu309=; no amino-acid change (leucine 309 retained).
Molecular consequence: synonymous variant.
Genome position (GRCh38, 1-based): chr16:86,511,496, G>T. VCF-style: chr16-86511496-G-T. GRCh37 (hg19) VCF-style: chr16-86545102-G-T.
Identifiers: ClinVar variation 977493 (VCV000977493.8), dbSNP rs375348663, ClinGen allele CA8217486.
Genomic context (GRCh38, chr16:86,511,496, plus strand): 5'-CCTGTCCCCCTGTAACCCCGCGGCCAACCCCCTGTCCGGCAGCCTCTCCACGCACTCCCT[G>T]GAGCAGCCGTATCTGCACCAGAACAGCCACAACGCCCCAGCCGAGCTGCAAGGTGAGTGG-3'
Protein context (NP_001442.2, residues 299-319): PLSGSLSTHS[Leu309=]EQPYLHQNSH